The following is an entry in ClinVar:

NM_033305.3(VPS13A):c.5370_5371insT (p.Ile1791fs)

Gene: VPS13A (vacuolar protein sorting 13 homolog A; plus strand). Cytogenetic location: 9q21.2.
Variant type: Insertion.
Coding change: c.5370_5371insT on transcript NM_033305.3 (MANE Select); coding-DNA positions 5370 to 5371, T inserted.
Protein change: p.Ile1791fs; shifts the reading frame from isoleucine 1791.
Molecular consequence: frameshift variant.
Genome position: GRCh38 VCF-style: chr9-77319628-A-AT. GRCh37 (hg19) VCF-style: chr9-79934544-A-AT.
Other names: c.5253_5254insT, p.Ile1752fs (NM_001018037.2); c.5370_5371insT, p.Ile1791fs (NM_001018038.3, NM_015186.4); short protein forms I1752fs, I1791fs.
Identifiers: ClinVar variation 1457705 (VCV001457705.6), dbSNP rs2131443885, ClinGen allele CA2573144670.
Genomic context (GRCh38, chr9:77,319,628, plus strand): 5'-GTAGGTGCATTATTATAATGAAATGTTTGGTGTATGGGAGCCTTTGCTTGAACCCTTAGA[A>AT]ATTGATCAGACTGAGGATTTTAGACCATGGAATCTTGGTATCAAGGTATATCTATATATG-3'

ClinVar aggregate classification (germline): Pathogenic (1 of 4 stars; one submission).

Submission:

Labcorp Genetics (formerly Invitae), Labcorp
Classification: Pathogenic. Last evaluated: 2021-03-26. Review status: criteria provided, single submitter. Criteria: Invitae Variant Classification Sherloc (09022015). Collection method: clinical testing. Allele origin: germline.
Comment: For these reasons, this variant has been classified as Pathogenic. This variant has not been reported in the literature in individuals with VPS13A-related conditions. This variant is not present in population databases (ExAC no frequency). This sequence change creates a premature translational stop signal (p.Ile1791Tyrfs*2) in the VPS13A gene. It is expected to result in an absent or disrupted protein product. Loss-of-function variants in VPS13A are known to be pathogenic (PMID: 12404112, 21598378).

Literature cited by the submitters: PubMed 12404112; PubMed 21598378.